The following is an entry in ClinVar:

NM_001903.5(CTNNA1):c.285A>T (p.Glu95Asp)

Gene: CTNNA1 (catenin alpha 1; plus strand). Cytogenetic location: 5q31.2.
Variant type: single nucleotide variant.
Coding change: c.285A>T on transcript NM_001903.5 (MANE Select); coding-DNA position 285, A replaced by T.
Protein change: p.Glu95Asp; replaces glutamic acid 95 with aspartic acid.
Molecular consequence: missense variant. On other transcripts: intron variant (2).
Genome position (GRCh38, 1-based): chr5:138,783,356, A>T. VCF-style: chr5-138783356-A-T. GRCh37 (hg19) VCF-style: chr5-138119045-A-T.
Other names: c.285A>T, p.Glu95Asp (NM_001323986.2, NM_001290307.3, NM_001323982.2 and 3 more transcripts); c.-6+84A>T (NM_001290310.3); c.-9+1327A>T (NM_001290309.3); short protein forms E95D.
Identifiers: ClinVar variation 654757 (VCV000654757.11), dbSNP rs1580984812, ClinGen allele CA361477688.

ClinVar aggregate classification (germline): Uncertain significance. Review status: criteria provided, multiple submitters, no conflicts (2 of 4 stars). 2 submissions from 2 submitters: Uncertain significance (2). Last evaluated 2024-12-20.

Conditions:
Hereditary cancer-predisposing syndrome. Also called: Hereditary neoplastic syndrome; Tumor predisposition; Neoplastic Syndromes, Hereditary; Hereditary Cancer Syndrome. Identifiers: Orphanet 140162, MedGen C0027672, MeSH D009386, MONDO:0015356.

Allele frequency attached by ClinVar (database versions not stated): gnomAD exomes below 0.00001.
gnomAD v4.1: 1 of 1,613,494 alleles (0.000062%); highest among the groups gnomAD compares: Non-Finnish European, 0.000085%; no homozygotes.

Submissions (2):

Labcorp Genetics (formerly Invitae), Labcorp
Classification: Uncertain significance. Last evaluated: 2024-12-20. Review status: criteria provided, single submitter. Criteria: Invitae Variant Classification Sherloc (09022015). Collection method: clinical testing. Allele origin: germline.
Comment: This sequence change replaces glutamic acid, which is acidic and polar, with aspartic acid, which is acidic and polar, at codon 95 of the CTNNA1 protein (p.Glu95Asp). This variant is not present in population databases (gnomAD no frequency). This variant has not been reported in the literature in individuals affected with CTNNA1-related conditions. ClinVar contains an entry for this variant (Variation ID: 654757). Invitae Evidence Modeling of protein sequence and biophysical properties (such as structural, functional, and spatial information, amino acid conservation, physicochemical variation, residue mobility, and thermodynamic stability) indicates that this missense variant is not expected to disrupt CTNNA1 protein function with a negative predictive value of 80%. In summary, the available evidence is currently insufficient to determine the role of this variant in disease. Therefore, it has been classified as a Variant of Uncertain Significance.

Ambry Genetics
Classification: Uncertain significance for Hereditary cancer-predisposing syndrome. Last evaluated: 2022-03-03. Review status: criteria provided, single submitter. Criteria: Ambry Variant Classification Scheme 2023. Collection method: clinical testing. Allele origin: germline.
Comment: The p.E95D variant (also known as c.285A>T), located in coding exon 2 of the CTNNA1 gene, results from an A to T substitution at nucleotide position 285. The glutamic acid at codon 95 is replaced by aspartic acid, an amino acid with highly similar properties. This amino acid position is well conserved in available vertebrate species. In addition, this alteration is predicted to be tolerated by in silico analysis. The evidence for this gene-disease relationship is limited; therefore, the clinical significance of this alteration is unclear.